The following is an entry in ClinVar:

NM_001173990.3(TMEM216):c.218G>T (p.Arg73Leu)

Gene: TMEM216 (transmembrane protein 216; plus strand). Cytogenetic location: 11q12.2.
Variant type: single nucleotide variant.
Coding change: c.218G>T on transcript NM_001173990.3 (MANE Select); coding-DNA position 218, G replaced by T.
Protein change: p.Arg73Leu; replaces arginine 73 with leucine.
Molecular consequence: missense variant.
Genome position (GRCh38, 1-based): chr11:61,393,965, G>T. VCF-style: chr11-61393965-G-T. GRCh37 (hg19) VCF-style: chr11-61161437-G-T.
Other names: c.218G>T; c.218G>T, p.Arg73Leu (NM_001173991.3); c.35G>T, p.Arg12Leu (NM_001330285.2, NM_016499.6); c.218G>T (NM_001173991.2); short protein forms R73L, R12L.
Identifiers: ClinVar variation 197 (VCV000000197.80), dbSNP rs201108965, ClinGen allele CA339800.

ClinVar aggregate classification (germline): Pathogenic. Review status: criteria provided, multiple submitters, no conflicts (2 of 4 stars). 20 submissions from 20 submitters: Pathogenic (16). 4 of the submissions do not count toward it. Last evaluated 2026-01-09.

Conditions:
Joubert syndrome 2 (JBTS2). Also called: CEREBELLOOCULORENAL SYNDROME 2. Identifiers: Orphanet 2318, MedGen C1842577, MONDO:0011963, OMIM 608091.
Meckel syndrome, type 2 (MKS2). Also called: MKS2-Related Meckel Syndrome; MECKEL-GRUBER SYNDROME, TYPE 2. Identifiers: Orphanet 564, MedGen C1864148, MONDO:0011296, OMIM 603194.
TMEM216-related disorder. Also called: TMEM216-related disorders; TMEM216-related condition.
Inborn genetic diseases. Identifiers: MedGen C0950123, MeSH D030342.
Joubert syndrome. Also called: JOUBERT-BOLTSHAUSER SYNDROME; Familial aplasia of the vermis. Identifiers: Orphanet 475, MedGen C5979921, MONDO:0018772.

Allele frequency attached by ClinVar (database versions not stated): TOPMed 0.00016.

Submissions 1 to 13 of 20:

Labcorp Genetics (formerly Invitae), Labcorp
Classification: Pathogenic for Joubert syndrome. Last evaluated: 2026-01-09. Review status: criteria provided, single submitter. Criteria: Invitae Variant Classification Sherloc (09022015). Collection method: clinical testing. Allele origin: germline.
Comment: This sequence change replaces arginine, which is basic and polar, with leucine, which is neutral and non-polar, at codon 73 of the TMEM216 protein (p.Arg73Leu). This variant is present in population databases (rs201108965, gnomAD 0.4%). This missense change has been observed in individual(s) with Joubert syndrome (PMID: 20036350, 26092869). It is commonly reported in individuals of Ashkenazi Jewish ancestry (PMID: 20036350, 20512146). ClinVar contains an entry for this variant (Variation ID: 197). An algorithm developed to predict the effect of missense changes on protein structure and function (PolyPhen-2) suggests that this variant is likely to be disruptive. Experimental studies have shown that this missense change affects TMEM216 function (PMID: 20512146, 22282472). This variant disrupts the p.Arg73 amino acid residue in TMEM216. Other variant(s) that disrupt this residue have been observed in individuals with TMEM216-related conditions (PMID: 20512146), which suggests that this may be a clinically significant amino acid residue. For these reasons, this variant has been classified as Pathogenic.

Natera, Inc.
Classification: Pathogenic for Joubert syndrome type 2. Last evaluated: 2025-11-26. Review status: criteria provided, single submitter. Criteria: Natera Variant Classification Schema (03/2026). Collection method: clinical testing. Allele origin: germline.
Comment: The c.218G>T variant in TMEM216 is a missense variant predicted to cause substitution of arginine to leucine at amino acid 73. This variant has been observed in one or more individuals affected with the associated recessive disease, as either homozygous or compound heterozygous with a second variant (PMID: 20512146, 29146704). Given the available evidence, this variant is classified as Pathogenic.

Mayo Clinic Laboratories, Mayo Clinic
Classification: Pathogenic. Last evaluated: 2024-10-30. Review status: criteria provided, single submitter. Criteria: ACMG Guidelines, 2015. Collection method: clinical testing. Allele origin: germline. Observed: 2 variant alleles.
Comment: PP3, PM2_supporting, PM3, PS4

Blueprint Genetics
Classification: Pathogenic for TMEM216-related disorders. Last evaluated: 2024-06-05. Review status: criteria provided, single submitter. Criteria: ACMG Guidelines, 2015. Collection method: clinical testing. Allele origin: germline. Affected: yes. Observed: 5 variant alleles.

Baylor Genetics
Classification: Pathogenic for Joubert syndrome 2. Last evaluated: 2024-03-28. Review status: criteria provided, single submitter. Criteria: ACMG Guidelines, 2015. Collection method: clinical testing. Allele origin: unknown.

Women's Health and Genetics/Laboratory Corporation of America, LabCorp
Classification: Pathogenic for Joubert syndrome 2. Last evaluated: 2024-03-04. Review status: criteria provided, single submitter. Criteria: LabCorp Variant Classification Summary - May 2015. Collection method: clinical testing. Allele origin: germline.
Comment: Variant summary: TMEM216 c.218G>T (p.Arg73Leu) results in a non-conservative amino acid change in the encoded protein sequence. Five of five in-silico tools predict a damaging effect of the variant on protein function. The variant allele was found at a frequency of 0.00018 in 251116 control chromosomes The variant has been reported in multiple affected individuals presented with JBTS2 (e.g. Edvardson_2010, Valente_2010). This variant is considered to be a founder mutation in individuals of Ashkenazi Jewish descent. The carrier frequency in the Ashkenazi population was reported to be about 1:100 (Valente_2010). The following publications have been ascertained in the context of this evaluation (PMID: 20036350, 20512146). ClinVar contains an entry for this variant (Variation ID: 197). Based on the evidence outlined above, the variant was classified as pathogenic.

Fulgent Genetics
Classification: Pathogenic for Meckel syndrome, type 2; Joubert syndrome 2. Last evaluated: 2024-01-06. Review status: criteria provided, single submitter. Criteria: ACMG Guidelines, 2015. Collection method: clinical testing. Allele origin: germline.

Revvity Omics, Revvity
Classification: Pathogenic. Last evaluated: 2023-04-10. Review status: criteria provided, single submitter. Criteria: ACMG Guidelines, 2015. Collection method: clinical testing. Allele origin: germline.

Ambry Genetics
Classification: Pathogenic for Inborn genetic diseases. Last evaluated: 2022-12-01. Review status: criteria provided, single submitter. Criteria: Ambry Variant Classification Scheme 2023. Collection method: clinical testing. Allele origin: germline.
Comment: The c.218G>T (p.R73L) alteration is located in exon 3 (coding exon 3) of the TMEM216 gene. This alteration results from a G to T substitution at nucleotide position 218, causing the arginine (R) at amino acid position 73 to be replaced by a leucine (L). Based on data from gnomAD, the T allele has an overall frequency of 0.016% (44/280628) total alleles studied. The highest observed frequency was 0.338% (35/10352) of Ashkenazi Jewish alleles. The alteration has been previously reported in multiple individuals with Joubert syndrome from Ashkenazi Jewish families (Edvardson, 2010; Valente, 2010; Bachmann-Gagescu, 2015; Schueler, 2016). Additionally, other variants at this amino acid position have been reported to cause disease (Lee, 2012). This amino acid position is highly conserved in available vertebrate species. Functional analysis on patient fibroblasts demonstrated the p.R73L alteration disrupted ciliogenesis (Lee, 2012). This alteration is predicted to be deleterious by in silico analysis. Based on the available evidence, this alteration is classified as pathogenic.

GeneDx
Classification: Pathogenic. Last evaluated: 2022-05-03. Review status: criteria provided, single submitter. Criteria: GeneDx Variant Classification Process June 2021. Collection method: clinical testing. Allele origin: germline. Affected: yes.
Comment: Published functional studies have reported a significant decrease in TMEM216 protein production in cells transfected with R73L compared to the wild type and ciliogenesis disruption in TMEM216-R73L mutated fibroblasts in affected individuals (Lee et al., 2012; Valente et al., 2010); In silico analysis supports that this missense variant has a deleterious effect on protein structure/function; This variant is associated with the following publications: (PMID: 22282472, 27065010, 27175728, 28125082, 31624327, 31663226, 20512146, 21029074, 20036350, 20301500, 26092869)

CeGaT Center for Human Genetics Tuebingen
Classification: Pathogenic. Last evaluated: 2021-04-01. Review status: criteria provided, single submitter. Criteria: CeGaT Center For Human Genetics Tuebingen Variant Classification Criteria Version 2. Collection method: clinical testing. Allele origin: germline. Affected: yes. Observed: 1 variant allele.

Myriad Genetics, Inc.
Classification: Pathogenic for Joubert syndrome 2. Last evaluated: 2019-11-12. Review status: criteria provided, single submitter. Criteria: Myriad Women's Health Autosomal Recessive and X-Linked Classification Criteria (2019). Collection method: clinical testing. Allele origin: unknown.
Comment: NM_001173990.2(TMEM216):c.218G>T(R73L) is classified as pathogenic in the context of Joubert syndrome 2. Sources cited for classification include the following: PMIDs: 20036350, 20512146, and 22282472. Classification of NM_001173990.2(TMEM216):c.218G>T(R73L) is based on the following criteria: This is a well-established pathogenic variant in the literature that has been observed more frequently in patients with clinical diagnoses than in healthy populations. Please note: this variant was assessed in the context of healthy population screening.

Laboratory for Molecular Medicine, Mass General Brigham Personalized Medicine
Classification: Pathogenic for Joubert syndrome 2. Last evaluated: 2019-08-19. Review status: criteria provided, single submitter. Criteria: LMM Criteria. Collection method: clinical testing. Allele origin: germline. Inheritance: Autosomal recessive inheritance. Observed: 1 variant allele.
Comment: The p.Arg73Leu variant (also called p.Arg12Leu) in TMEM216 is a founder variant in the Ashkenazi Jewish population and has been reported in the homozygous state in at least 20 individuals with Joubert syndrome or Meckel syndrome and segregated with disease in >10 affected individuals from at least 5 families (Edvardson 2010, Schueler 2016, Valente 2010). It has also been identified in 0.338% (35/10352) of Ashkenazi Jewish chromosomes by gnomAD. However, this frequency is low enough to be consistent with a recessive carrier frequency. This variant has been reported in ClinVar (Variation ID: 197). Computational prediction tools and conservation analyses do not provide evidence for or against pathogenicity. In vitro functional studies provide some evidence that this variant impacts protein function (Valente 2010); however, these types of assays may not accurately represent biological function. Additionally, two variants at the same position (p.Arg73His and p.Arg73Leu) have been identified in individuals with Joubert syndrome, suggesting that a change at this position may not be tolerated. In summary, the p.Arg73Leu variant meets criteria to be classified as pathogenic for autosomal recessive Joubert syndrome. ACMG/AMP criteria applied: PM3_Strong, PP1_Strong, PS3_Supporting.